The following is an entry in ClinVar:

ClinVar aggregate classification (germline): Uncertain significance. Review status: criteria provided, multiple submitters, no conflicts (2 of 4 stars). 2 submissions from 2 submitters: Uncertain significance (2). Last evaluated 2024-09-23.

Conditions:
Hereditary cancer-predisposing syndrome. Also called: Tumor predisposition; Hereditary neoplastic syndrome; Hereditary Cancer Syndrome; Neoplastic Syndromes, Hereditary. Identifiers: Orphanet 140162, MedGen C0027672, MeSH D009386, MONDO:0015356.
Familial meningioma. Also called: Meningioma, familial, susceptibility to. Identifiers: Orphanet 263662, MedGen C3551915, MONDO:0011789, OMIM 607174.

Submissions (2):

Ambry Genetics
Classification: Uncertain significance for Hereditary cancer-predisposing syndrome. Last evaluated: 2024-09-23. Review status: criteria provided, single submitter. Criteria: Ambry Variant Classification Scheme 2023. Collection method: clinical testing. Allele origin: germline.
Comment: The p.Q113K variant (also known as c.337C>A), located in coding exon 5 of the SMARCE1 gene, results from a C to A substitution at nucleotide position 337. The glutamine at codon 113 is replaced by lysine, an amino acid with similar properties. This amino acid position is conserved. In addition, this alteration is predicted to be deleterious by in silico analysis. Based on the available evidence, the clinical significance of this variant remains unclear.

Labcorp Genetics (formerly Invitae), Labcorp
Classification: Uncertain significance for Familial meningioma. Last evaluated: 2020-01-14. Review status: criteria provided, single submitter. Criteria: Invitae Variant Classification Sherloc (09022015). Collection method: clinical testing. Allele origin: germline.
Comment: In summary, the available evidence is currently insufficient to determine the role of this variant in disease. Therefore, it has been classified as a Variant of Uncertain Significance. Algorithms developed to predict the effect of missense changes on protein structure and function (SIFT, PolyPhen-2, Align-GVGD) all suggest that this variant is likely to be tolerated, but these predictions have not been confirmed by published functional studies and their clinical significance is uncertain. This variant has not been reported in the literature in individuals with SMARCE1-related conditions. This variant is not present in population databases (ExAC no frequency). This sequence change replaces glutamine with lysine at codon 113 of the SMARCE1 protein (p.Gln113Lys). The glutamine residue is moderately conserved and there is a small physicochemical difference between glutamine and lysine.

NM_003079.5(SMARCE1):c.337C>A (p.Gln113Lys)

Gene: SMARCE1 (SWI/SNF related BAF chromatin remodeling complex subunit E1; minus strand). Cytogenetic location: 17q21.2.
Variant type: single nucleotide variant.
Coding change: c.337C>A on transcript NM_003079.5 (MANE Select); coding-DNA position 337, C replaced by A.
Protein change: p.Gln113Lys; replaces glutamine 113 with lysine.
Molecular consequence: missense variant.
Genome position (GRCh38, 1-based): chr17:40,636,427, G>T on the plus strand (C>A on the coding strand, the complement: SMARCE1 is on the minus strand). VCF-style: chr17-40636427-G-T. GRCh37 (hg19) VCF-style: chr17-38792679-G-T.
Other names: c.337C>A (NM_003079.4); short protein forms Q113K.
Identifiers: ClinVar variation 1052934 (VCV001052934.10), dbSNP rs2143997301, ClinGen allele CA399367077.